The following is an entry in ClinVar:

NM_000138.5(FBN1):c.1571del (p.Thr524fs)

Gene: FBN1 (fibrillin 1; minus strand). Cytogenetic location: 15q21.1.
Variant type: Deletion.
Coding change: c.1571del on transcript NM_000138.5 (MANE Select); coding-DNA position 1571, one base deleted (C; older notation c.1571delC).
Protein change: p.Thr524fs; shifts the reading frame from threonine 524.
Molecular consequence: frameshift variant.
Genome position (GRCh38, 1-based): chr15:48,513,566, G deleted on the plus strand (C on the coding strand, the reverse complement: FBN1 is on the minus strand). VCF-style (leftmost placement, unchanged base first): chr15-48513565-CG-C. GRCh37 (hg19) VCF-style: chr15-48805762-CG-C.
Other names: c.1571delC (NM_000138.4).
Identifiers: ClinVar variation 263469 (VCV000263469.9), dbSNP rs886038817, ClinGen allele CA10587857.

ClinVar aggregate classification (germline): Pathogenic. Review status: criteria provided, multiple submitters, no conflicts (2 of 4 stars). 3 submissions from 3 submitters: Pathogenic (2). 1 of the submissions does not count toward it. Last evaluated 2023-10-04.

Conditions:
Cardiovascular phenotype. Identifiers: MedGen CN230736.
Marfan syndrome (MFS). Also called: MARFAN SYNDROME, TYPE I; FBN1-Related Marfan Syndrome; Marfan syndrome, classic; Marfan syndrome type 1; Marfan's syndrome. Identifiers: Orphanet 284963, Orphanet 558, MedGen C0024796, MONDO:0007947, OMIM 154700.
Familial thoracic aortic aneurysm and aortic dissection (TAAD). Also called: Thoracic aortic aneurysms and dissections. Identifiers: Orphanet 91387, MedGen C4707243, MONDO:0019625.

Submissions (3):

Labcorp Genetics (formerly Invitae), Labcorp
Classification: Pathogenic for Marfan syndrome; Familial thoracic aortic aneurysm and aortic dissection. Last evaluated: 2023-10-04. Review status: criteria provided, single submitter. Criteria: Invitae Variant Classification Sherloc (09022015). Collection method: clinical testing. Allele origin: germline.
Comment: This sequence change creates a premature translational stop signal (p.Thr524Serfs*55) in the FBN1 gene. It is expected to result in an absent or disrupted protein product. Loss-of-function variants in FBN1 are known to be pathogenic (PMID: 17657824, 19293843). This variant is not present in population databases (gnomAD no frequency). This variant has not been reported in the literature in individuals affected with FBN1-related conditions. ClinVar contains an entry for this variant (Variation ID: 263469). For these reasons, this variant has been classified as Pathogenic.

Ambry Genetics
Classification: Pathogenic for Cardiovascular phenotype. Last evaluated: 2012-12-14. Review status: criteria provided, single submitter. Criteria: Ambry Autosomal Dominant and X-Linked criteria (10/2015). Collection method: clinical testing. Allele origin: germline. Observed: 1 variant allele.

Center for Medical Genetics Ghent, University of Ghent
Classification: Likely pathogenic for Marfan syndrome. Last evaluated: 2017-11-07. Review status: no assertion criteria provided. Collection method: clinical testing. Allele origin: germline. Affected: yes. Not counted in ClinVar's aggregate classification.

Literature cited by the submitters: PubMed 17657824 (cited by Labcorp Genetics (formerly Invitae), Labcorp); PubMed 19293843 (cited by Labcorp Genetics (formerly Invitae), Labcorp).